The following is an entry in ClinVar:

ClinVar aggregate classification (germline): Uncertain significance (1 of 4 stars; one submission).

Allele frequency attached by ClinVar (database versions not stated): TOPMed below 0.00001; gnomAD 0.00001.
gnomAD v4.1: 3 of 1,614,126 alleles (0.00019%); highest among the groups gnomAD compares: East Asian, 0.0022%; no homozygotes.

Submission:

Labcorp Genetics (formerly Invitae), Labcorp
Classification: Uncertain significance. Last evaluated: 2023-02-07. Review status: criteria provided, single submitter. Criteria: Invitae Variant Classification Sherloc (09022015). Collection method: clinical testing. Allele origin: germline.
Comment: This sequence change replaces serine, which is neutral and polar, with glycine, which is neutral and non-polar, at codon 250 of the TEAD1 protein (p.Ser250Gly). This variant is present in population databases (no rsID available, gnomAD 0.006%). In summary, the available evidence is currently insufficient to determine the role of this variant in disease. Therefore, it has been classified as a Variant of Uncertain Significance. Advanced modeling of protein sequence and biophysical properties (such as structural, functional, and spatial information, amino acid conservation, physicochemical variation, residue mobility, and thermodynamic stability) performed at Invitae indicates that this missense variant is not expected to disrupt TEAD1 protein function. This variant has not been reported in the literature in individuals affected with TEAD1-related conditions.

NM_021961.6(TEAD1):c.748A>G (p.Ser250Gly)

Gene: TEAD1 (TEA domain transcription factor 1; plus strand). Cytogenetic location: 11p15.3.
Variant type: single nucleotide variant.
Coding change: c.748A>G on transcript NM_021961.6 (MANE Select); coding-DNA position 748, A replaced by G.
Protein change: p.Ser250Gly; replaces serine 250 with glycine.
Molecular consequence: missense variant.
Genome position (GRCh38, 1-based): chr11:12,901,988, A>G. VCF-style: chr11-12901988-A-G. GRCh37 (hg19) VCF-style: chr11-12923535-A-G.
Other names: short protein forms S250G.
Identifiers: ClinVar variation 2721171 (VCV002721171.3), dbSNP rs1205481573, ClinGen allele CA379714467.
Genomic context (GRCh38, chr11:12,901,988, plus strand): 5'-GGTTTCTTACAGTACAACAAACACCTCTTCGTGCACATTGGGCATGCCAACCATTCTTAC[A>G]GTGACCCATTGCTTGAATCAGTGGACATTCGTCAGATTTATGACAAATTTCCTGAAAAGA-3'
Protein context (NP_068780.2, residues 240-260): VHIGHANHSY[Ser250Gly]DPLLESVDIR